The following is an entry in ClinVar:

NM_213720.3(CHCHD10):c.101C>T (p.Pro34Leu)

Gene: CHCHD10 (coiled-coil-helix-coiled-coil-helix domain containing 10; minus strand). Cytogenetic location: 22q11.23.
Variant type: single nucleotide variant.
Coding change: c.101C>T on transcript NM_213720.3 (MANE Select); coding-DNA position 101, C replaced by T.
Protein change: p.Pro34Leu; replaces proline 34 with leucine.
Molecular consequence: missense variant. On other transcripts: non-coding transcript variant (1).
Genome position (GRCh38, 1-based): chr22:23,767,534, G>A on the plus strand (C>T on the coding strand, the complement: CHCHD10 is on the minus strand). VCF-style: chr22-23767534-G-A. GRCh37 (hg19) VCF-style: chr22-24109721-G-A.
Other names: c.101C>T, p.Pro34Leu (NM_001301339.2); short protein forms P34L.
Identifiers: ClinVar variation 2936546 (VCV002936546.3), dbSNP rs2517622760, ClinGen allele CA410916735.

ClinVar aggregate classification (germline): Uncertain significance (1 of 4 stars; one submission).

Conditions:
Lower motor neuron syndrome with late-adult onset (SMAJ). Also called: Spinal muscular atrophy, Jokela type; Late-Onset Spinal Motor Neuronopathy (SMAJ). Identifiers: Orphanet 276435, MedGen C3554398, MONDO:0014025, OMIM 615048.
Autosomal dominant mitochondrial myopathy with exercise intolerance (IMMD). Also called: Myopathy, isolated mitochondrial, autosomal dominant. Identifiers: Orphanet 457050, MedGen C4015513, MONDO:0014532, OMIM 616209.
Frontotemporal dementia and/or amyotrophic lateral sclerosis 2. Also called: FTDALS2. Identifiers: Orphanet 275872, MedGen C4014648, MONDO:0014395, OMIM 615911.

Submission:

Labcorp Genetics (formerly Invitae), Labcorp
Classification: Uncertain significance for Lower motor neuron syndrome with late-adult onset; Frontotemporal dementia and/or amyotrophic lateral sclerosis 2; Autosomal dominant mitochondrial myopathy with exercise intolerance. Last evaluated: 2024-10-25. Review status: criteria provided, single submitter. Criteria: Invitae Variant Classification Sherloc (09022015). Collection method: clinical testing. Allele origin: germline.
Comment: This sequence change replaces proline, which is neutral and non-polar, with leucine, which is neutral and non-polar, at codon 34 of the CHCHD10 protein (p.Pro34Leu). This variant is not present in population databases (gnomAD no frequency). This variant has not been reported in the literature in individuals affected with CHCHD10-related conditions. Experimental studies and prediction algorithms are not available or were not evaluated, and the functional significance of this variant is currently unknown. In summary, the available evidence is currently insufficient to determine the role of this variant in disease. Therefore, it has been classified as a Variant of Uncertain Significance.